The following is an entry in ClinVar:

NM_000038.6(APC):c.3105G>T (p.Gln1035His)

Gene: APC (APC regulator of Wnt signaling pathway; plus strand). Cytogenetic location: 5q22.2.
Variant type: single nucleotide variant.
Coding change: c.3105G>T on transcript NM_000038.6 (MANE Select); coding-DNA position 3105, G replaced by T.
Protein change: p.Gln1035His; replaces glutamine 1035 with histidine.
Molecular consequence: missense variant.
Genome position (GRCh38, 1-based): chr5:112,838,699, G>T. VCF-style: chr5-112838699-G-T. GRCh37 (hg19) VCF-style: chr5-112174396-G-T.
Other names: c.3105G>T, p.Gln1035His (NM_001127510.3, NM_001354895.2); c.3051G>T, p.Gln1017His (NM_001127511.3); c.3159G>T, p.Gln1053His (NM_001354896.2); c.3135G>T, p.Gln1045His (NM_001354897.2); c.3030G>T, p.Gln1010His (NM_001354898.2); c.3021G>T, p.Gln1007His (NM_001354899.2); c.2982G>T, p.Gln994His (NM_001354900.2); c.2928G>T, p.Gln976His (NM_001354901.2); and 5 more; short protein forms Q1017H, Q1035H, Q1010H, Q752H, Q875H, Q934H, Q944H, Q994H.
Identifiers: ClinVar variation 236585 (VCV000236585.13), dbSNP rs878853435, ClinGen allele CA10582304.
Genomic context (GRCh38, chr5:112,838,699, plus strand): 5'-TGATAATGATGGAGAACTAGATACACCAATAAATTATAGTCTTAAATATTCAGATGAGCA[G>T]TTGAACTCTGGAAGGCAAAGTCCTTCACAGAATGAAAGATGGGCAAGACCCAAACACATA-3'
Protein context (NP_000029.2, residues 1025-1045): INYSLKYSDE[Gln1035His]LNSGRQSPSQ

ClinVar aggregate classification (germline): Uncertain significance. Review status: criteria provided, multiple submitters, no conflicts (2 of 4 stars). 5 submissions from 5 submitters: Uncertain significance (5). Last evaluated 2024-10-18.

Conditions:
Hereditary cancer-predisposing syndrome. Also called: Neoplastic Syndromes, Hereditary; Hereditary Cancer Syndrome; Tumor predisposition; Hereditary neoplastic syndrome. Identifiers: Orphanet 140162, MedGen C0027672, MeSH D009386, MONDO:0015356.
Familial adenomatous polyposis 1 (FAP1). Also called: FAMILIAL ADENOMATOUS POLYPOSIS 1, ATTENUATED; POLYPOSIS, ADENOMATOUS INTESTINAL. Identifiers: MedGen C2713442, MONDO:0021056, OMIM 175100. Disease mechanism: loss of function.

Allele frequency attached by ClinVar (database versions not stated): TOPMed 0.00001.
gnomAD v4.1: 2 of 1,614,186 alleles (0.00012%); highest among the groups gnomAD compares: Non-Finnish European, 0.000085%; no homozygotes.

Submissions (5):

Ambry Genetics
Classification: Uncertain significance for Hereditary cancer-predisposing syndrome. Last evaluated: 2024-10-18. Review status: criteria provided, single submitter. Criteria: Ambry Variant Classification Scheme 2023. Collection method: clinical testing. Allele origin: germline.
Comment: The p.Q1035H variant (also known as c.3105G>T), located in coding exon 15 of the APC gene, results from a G to T substitution at nucleotide position 3105. The glutamine at codon 1035 is replaced by histidine, an amino acid with highly similar properties. This variant has been reported in 1 of 1197 individuals from Greece, Romania, and Turkey undergoing evaluation for inherited cancer predisposition (Tsaousis GN et al. BMC Cancer, 2019 Jun;19:535). This amino acid position is highly conserved in available vertebrate species. In addition, in silico predictors for this gene do not accurately predict pathogenicity. Based on the available evidence, the clinical significance of this variant remains unclear.

Labcorp Genetics (formerly Invitae), Labcorp
Classification: Uncertain significance for Familial adenomatous polyposis 1. Last evaluated: 2023-07-07. Review status: criteria provided, single submitter. Criteria: Invitae Variant Classification Sherloc (09022015). Collection method: clinical testing. Allele origin: germline.
Comment: This missense change has been observed in individual(s) with clinical features of breast and/or ovarian cancer (PMID: 31159747). In summary, the available evidence is currently insufficient to determine the role of this variant in disease. Therefore, it has been classified as a Variant of Uncertain Significance. Advanced modeling of protein sequence and biophysical properties (such as structural, functional, and spatial information, amino acid conservation, physicochemical variation, residue mobility, and thermodynamic stability) performed at Invitae indicates that this missense variant is not expected to disrupt APC protein function. ClinVar contains an entry for this variant (Variation ID: 236585). This variant is not present in population databases (gnomAD no frequency). This sequence change replaces glutamine, which is neutral and polar, with histidine, which is basic and polar, at codon 1035 of the APC protein (p.Gln1035His).

Blueprint Genetics
Classification: Uncertain significance. Last evaluated: 2023-06-05. Review status: criteria provided, single submitter. Criteria: ACMG Guidelines, 2015. Collection method: clinical testing. Allele origin: germline.

GeneKor MSA
Classification: Uncertain significance for Hereditary cancer-predisposing syndrome. Last evaluated: 2018-08-01. Review status: criteria provided, single submitter. Criteria: ACMG Guidelines, 2015. Collection method: clinical testing. Allele origin: germline. Affected: yes.

GeneDx
Classification: Uncertain significance. Last evaluated: 2016-06-02. Review status: criteria provided, single submitter. Criteria: GeneDx Variant Classification (06012015). Collection method: clinical testing. Allele origin: germline. Affected: yes.
Comment: This variant is denoted APC c.3105G>T at the cDNA level, p.Gln1035His (Q1035H) at the protein level, and results in the change of a Glutamine to a Histidine (CAG>CAT). This variant has not, to our knowledge, been published in the literature as pathogenic or benign. APC Gln1035His was not observed in approximately 6,500 individuals of European and African American ancestry in the NHLBI Exome Sequencing Project, suggesting it is not a common benign variant in these populations. Since Glutamine and Histidine differ in some properties, this is considered a semi-conservative amino acid substitution. APC Gln1035His occurs at a position that is not conserved and is located in the 15-amino acid repeat B-catenin binding domain and a region responsible for down-regulation through a process mediated by direct ubiquitination (Azzopardi 2008, UniProt). In silico analyses are inconsistent regarding the effect this variant may have on protein structure and function. Based on currently available evidence, it is unclear whether APC Gln1035His is a pathogenic or benign variant. We consider it to be a variant of uncertain significance.

Literature cited by the submitters: PubMed 31159747 (cited by Ambry Genetics and Labcorp Genetics (formerly Invitae), Labcorp).